The following is an entry in ClinVar:

NM_005879.3(TRAIP):c.869G>A (p.Arg290His)

Gene: TRAIP (TRAF interacting protein; minus strand). Cytogenetic location: 3p21.31.
Variant type: single nucleotide variant.
Coding change: c.869G>A on transcript NM_005879.3 (MANE Select); coding-DNA position 869, G replaced by A.
Protein change: p.Arg290His; replaces arginine 290 with histidine.
Molecular consequence: missense variant.
Genome position (GRCh38, 1-based): chr3:49,839,787, C>T on the plus strand (G>A on the coding strand, the complement: TRAIP is on the minus strand). VCF-style: chr3-49839787-C-T. GRCh37 (hg19) VCF-style: chr3-49877220-C-T.
Other names: short protein forms R290H.
Identifiers: ClinVar variation 2051926 (VCV002051926.3), dbSNP rs149800672, ClinGen allele CA2407678.

ClinVar aggregate classification (germline): Uncertain significance (1 of 4 stars; one submission).

Allele frequency attached by ClinVar (database versions not stated): ExAC 0.00007; ESP Exome Variant Server 0.00015; gnomAD 0.00018; TOPMed 0.00023; 1000 Genomes Project 30x 0.00047; 1000 Genomes Project 0.00060.
gnomAD v4.1: 134 of 1,614,210 alleles (0.0083%); highest among the groups gnomAD compares: African/African-American, 0.053%; 1 homozygote.

Submission:

Labcorp Genetics (formerly Invitae), Labcorp
Classification: Uncertain significance. Last evaluated: 2025-03-19. Review status: criteria provided, single submitter. Criteria: Invitae Variant Classification Sherloc (09022015). Collection method: clinical testing. Allele origin: germline.
Comment: This sequence change replaces arginine, which is basic and polar, with histidine, which is basic and polar, at codon 290 of the TRAIP protein (p.Arg290His). This variant is present in population databases (rs149800672, gnomAD 0.03%). This variant has not been reported in the literature in individuals affected with TRAIP-related conditions. ClinVar contains an entry for this variant (Variation ID: 2051926). An algorithm developed to predict the effect of missense changes on protein structure and function (PolyPhen-2) suggests that this variant is likely to be disruptive. In summary, the available evidence is currently insufficient to determine the role of this variant in disease. Therefore, it has been classified as a Variant of Uncertain Significance.